The following is an entry in ClinVar:

ClinVar aggregate classification (germline): Uncertain significance (1 of 4 stars; one submission).

Conditions:
Familial sleep-related hypermotor epilepsy. Also called: Autosomal Dominant Sleep-Related Hypermotor (Hyperkinetic) Epilepsy. Identifiers: Orphanet 98784, MedGen C3696898, MONDO:0000030.

Submission:

Labcorp Genetics (formerly Invitae), Labcorp
Classification: Uncertain significance. Last evaluated: 2019-01-17. Review status: criteria provided, single submitter. Criteria: Invitae Variant Classification Sherloc (09022015). Collection method: clinical testing. Allele origin: germline.
Comment: In summary, the available evidence is currently insufficient to determine the role of this variant in disease. Therefore, it has been classified as a Variant of Uncertain Significance. Experimental studies and prediction algorithms are not available for this variant, and the functional significance of the affected amino acid(s) is currently unknown. This variant has been observed in one or more individuals who were not affected with CHRNB2-related disease (Invitae). This variant is not present in population databases (ExAC no frequency). This sequence change results in a premature translational stop signal in the CHRNB2 gene (p.Tyr453*). While this is not anticipated to result in nonsense mediated decay, it is expected to disrupt the last 50 amino acids of the CHRNB2 protein.

NM_000748.3(CHRNB2):c.1359C>G (p.Tyr453Ter)

Gene: CHRNB2 (cholinergic receptor nicotinic beta 2 subunit; plus strand). Cytogenetic location: 1q21.3.
Variant type: single nucleotide variant.
Coding change: c.1359C>G on transcript NM_000748.3 (MANE Select); coding-DNA position 1359, C replaced by G.
Protein change: p.Tyr453Ter; replaces tyrosine 453 with a stop codon.
Molecular consequence: nonsense.
Genome position (GRCh38, 1-based): chr1:154,575,782, C>G. VCF-style: chr1-154575782-C-G. GRCh37 (hg19) VCF-style: chr1-154548258-C-G.
Other names: short protein forms Y453*.
Identifiers: ClinVar variation 643436 (VCV000643436.9), dbSNP rs761717685, ClinGen allele CA342632692.